The following is an entry in ClinVar:

ClinVar aggregate classification (germline): Uncertain significance (1 of 4 stars; one submission).

Allele frequency attached by ClinVar (database versions not stated): gnomAD 0.00001; ExAC 0.00004; TOPMed 0.00004.
gnomAD v4.1: 17 of 1,591,418 alleles (0.0011%); highest among the groups gnomAD compares: Admixed American, 0.0035%; no homozygotes.

Submission:

Labcorp Genetics (formerly Invitae), Labcorp
Classification: Uncertain significance. Last evaluated: 2025-11-09. Review status: criteria provided, single submitter. Criteria: Invitae Variant Classification Sherloc (09022015). Collection method: clinical testing. Allele origin: germline.
Comment: This sequence change replaces arginine, which is basic and polar, with tryptophan, which is neutral and slightly polar, at codon 961 of the DSCAML1 protein (p.Arg961Trp). The frequency data for this variant in the population databases is considered unreliable, as metrics indicate poor data quality at this position in the gnomAD database. This variant has not been reported in the literature in individuals affected with DSCAML1-related conditions. ClinVar contains an entry for this variant (Variation ID: 1919107). An algorithm developed to predict the effect of missense changes on protein structure and function (PolyPhen-2) suggests that this variant is likely to be disruptive. In summary, the available evidence is currently insufficient to determine the role of this variant in disease. Therefore, it has been classified as a Variant of Uncertain Significance.

NM_020693.4(DSCAML1):c.2701C>T (p.Arg901Trp)

Gene: DSCAML1 (DS cell adhesion molecule like 1; minus strand). Cytogenetic location: 11q23.3.
Variant type: single nucleotide variant.
Coding change: c.2701C>T on transcript NM_020693.4 (MANE Select); coding-DNA position 2701, C replaced by T.
Protein change: p.Arg901Trp; replaces arginine 901 with tryptophan.
Molecular consequence: missense variant.
Genome position (GRCh38, 1-based): chr11:117,480,527, G>A on the plus strand (C>T on the coding strand, the complement: DSCAML1 is on the minus strand). VCF-style: chr11-117480527-G-A. GRCh37 (hg19) VCF-style: chr11-117351242-G-A.
Other names: c.2701C>T, p.Arg901Trp (NM_001367904.1); short protein forms R901W.
Identifiers: ClinVar variation 1919107 (VCV001919107.5), dbSNP rs773773661, ClinGen allele CA6296904.
Genomic context (GRCh38, chr11:117,480,527, plus strand): 5'-CGAAGCCCGTGATGATGCTGTTCCCGTCGAATCGCTGGGTCCAGCGCAGGTTCATGCTCC[G>A]GGCCTTCACCTCCCGGATCTCCAGCTCTGGGGGGTCGGGGGGCTCTAGGGTGCGGCAGTG-3'
Protein context (NP_065744.3, residues 891-911): PELEIREVKA[Arg901Trp]SMNLRWTQRF